The following is an entry in ClinVar:

ClinVar aggregate classification (germline): Uncertain significance. Review status: criteria provided, multiple submitters, no conflicts (2 of 4 stars). 2 submissions from 2 submitters: Uncertain significance (2). Last evaluated 2025-09-10.

Conditions:
Melanoma, cutaneous malignant, susceptibility to, 5. Also called: Cutaneous malignant melanoma 5. Identifiers: Orphanet 618, MedGen C2751295, MONDO:0013133, OMIM 613099.

Allele frequency attached by ClinVar (database versions not stated): TOPMed 0.00003; gnomAD 0.00006; 1000 Genomes Project 30x 0.00016.

Submissions (2):

Labcorp Genetics (formerly Invitae), Labcorp
Classification: Uncertain significance for Melanoma, cutaneous malignant, susceptibility to, 5. Last evaluated: 2025-09-10. Review status: criteria provided, single submitter. Criteria: Invitae Variant Classification Sherloc (09022015). Collection method: clinical testing. Allele origin: germline.
Comment: This sequence change replaces arginine, which is basic and polar, with cysteine, which is neutral and slightly polar, at codon 142 of the MC1R protein (p.Arg142Cys). This variant is present in population databases (rs752927306, gnomAD 0.008%). This missense change has been observed in individual(s) with melanoma (PMID: 14757863, 19585506, 19799798, 23647022, 24335900, 24982914). ClinVar contains an entry for this variant (Variation ID: 470705). Invitae Evidence Modeling of protein sequence and biophysical properties (such as structural, functional, and spatial information, amino acid conservation, physicochemical variation, residue mobility, and thermodynamic stability) indicates that this missense variant is expected to disrupt MC1R protein function with a positive predictive value of 80%. In summary, the available evidence is currently insufficient to determine the role of this variant in disease. Therefore, it has been classified as a Variant of Uncertain Significance.

Illumina Laboratory Services, Illumina
Classification: Uncertain significance for Melanoma, cutaneous malignant, susceptibility to, 5. Last evaluated: 2017-04-28. Review status: criteria provided, single submitter. Criteria: ICSL Variant Classification Criteria 13 December 2019. Collection method: clinical testing. Allele origin: germline.
Comment: This variant was observed as part of a predisposition screen in an ostensibly healthy population. A literature search was performed for the gene, cDNA change, and amino acid change (where applicable). Publications were found based on this search. However, the evidence from the literature, in combination with allele frequency data from public databases where available, was not sufficient to rule this variant in or out of causing disease. Therefore, this variant is classified as a variant of unknown significance.

Literature cited by the submitters: PubMed 14757863 (cited by Labcorp Genetics (formerly Invitae), Labcorp and Illumina Laboratory Services, Illumina); PubMed 19585506 (cited by Labcorp Genetics (formerly Invitae), Labcorp and Illumina Laboratory Services, Illumina); PubMed 19799798 (cited by Labcorp Genetics (formerly Invitae), Labcorp and Illumina Laboratory Services, Illumina); PubMed 23647022 (cited by Labcorp Genetics (formerly Invitae), Labcorp and Illumina Laboratory Services, Illumina); PubMed 24335900 (cited by Labcorp Genetics (formerly Invitae), Labcorp and Illumina Laboratory Services, Illumina); PubMed 24982914 (cited by Labcorp Genetics (formerly Invitae), Labcorp); PubMed 12687585 (cited by Illumina Laboratory Services, Illumina).

NM_002386.4(MC1R):c.424C>T (p.Arg142Cys)

Gene: MC1R (melanocortin 1 receptor; plus strand). Cytogenetic location: 16q24.3.
Variant type: single nucleotide variant.
Coding change: c.424C>T on transcript NM_002386.4 (MANE Select); coding-DNA position 424, C replaced by T.
Protein change: p.Arg142Cys; replaces arginine 142 with cysteine.
Molecular consequence: missense variant.
Genome position (GRCh38, 1-based): chr16:89,919,682, C>T. VCF-style: chr16-89919682-C-T. GRCh37 (hg19) VCF-style: chr16-89986090-C-T.
Other names: short protein forms R142C.
Identifiers: ClinVar variation 470705 (VCV000470705.14), dbSNP rs752927306, ClinGen allele CA8255588.
Genomic context (GRCh38, chr16:89,919,682, plus strand): 5'-GTGATCACCTGCAGCTCCATGCTGTCCAGCCTCTGCTTCCTGGGCGCCATCGCCGTGGAC[C>T]GCTACATCTCCATCTTCTACGCACTGCGCTACCACAGCATCGTGACCCTGCCGCGGGCGC-3'
Protein context (NP_002377.4, residues 132-152): LCFLGAIAVD[Arg142Cys]YISIFYALRY